The following is an entry in ClinVar:

NM_006265.3(RAD21):c.193C>T (p.Arg65Ter)

Gene: RAD21 (RAD21 cohesin complex component; minus strand). Cytogenetic location: 8q24.11.
Variant type: single nucleotide variant.
Coding change: c.193C>T on transcript NM_006265.3 (MANE Select); coding-DNA position 193, C replaced by T.
Protein change: p.Arg65Ter; replaces arginine 65 with a stop codon.
Molecular consequence: nonsense.
Genome position (GRCh38, 1-based): chr8:116,863,211, G>A on the plus strand (C>T on the coding strand, the complement: RAD21 is on the minus strand). VCF-style: chr8-116863211-G-A. GRCh37 (hg19) VCF-style: chr8-117875450-G-A.
Other names: short protein forms R65*.
Identifiers: ClinVar variation 2584420 (VCV002584420.4), dbSNP rs1812625715, ClinGen allele CA372010882.

ClinVar aggregate classification (germline): Pathogenic/Likely pathogenic. Review status: criteria provided, multiple submitters, no conflicts (2 of 4 stars). 2 submissions from 2 submitters: Pathogenic (1); Likely pathogenic (1). Last evaluated 2023-04-10.

Conditions:
Cornelia de Lange syndrome 4 (CDLS4). Also called: CORNELIA DE LANGE SYNDROME 4 WITH OR WITHOUT MIDLINE BRAIN DEFECTS; RAD21-Related Cornelia de Lange Syndrome. Identifiers: Orphanet 199, MedGen C3553517, MONDO:0013864, OMIM 614701.
RAD21-related disorder. Also called: RAD21-related condition; RAD21- Related disorders.

Submissions (2):

Labcorp Genetics (formerly Invitae), Labcorp
Classification: Pathogenic for Cornelia de Lange syndrome 4. Last evaluated: 2023-04-10. Review status: criteria provided, single submitter. Criteria: Invitae Variant Classification Sherloc (09022015). Collection method: clinical testing. Allele origin: germline.
Comment: This sequence change creates a premature translational stop signal (p.Arg65*) in the RAD21 gene. It is expected to result in an absent or disrupted protein product. Loss-of-function variants in RAD21 are known to be pathogenic (PMID: 22633399, 24378232, 27620904, 27882533). For these reasons, this variant has been classified as Pathogenic. This variant has not been reported in the literature in individuals affected with RAD21-related conditions. This variant is not present in population databases (gnomAD no frequency).

Rady Children's Institute for Genomic Medicine, Rady Children's Hospital San Diego
Classification: Likely pathogenic for RAD21- Related disorders. Review status: criteria provided, single submitter. Criteria: ACMG Guidelines, 2015. Collection method: clinical testing. Allele origin: germline. Affected: yes.
Comment: This nonsense variant found in exon 3 of 14 is predicted to result in loss of normal protein function through either protein truncation or nonsense-mediated mRNA decay. This variant has not been previously reported or functionally characterized in the literature to our knowledge. Loss-of-function variation in RAD21 is an established mechanism of disease (PMID: 32193685). The c.193C>T (p.Arg65Ter) variant is absent from the gnomAD population database and thus presumed to be rare. Based on the available evidence, the c.193C>T (p.Arg65Ter) variant is classified as Likely Pathogenic.

Literature cited by the submitters: PubMed 22633399 (cited by Labcorp Genetics (formerly Invitae), Labcorp); PubMed 24378232 (cited by Labcorp Genetics (formerly Invitae), Labcorp); PubMed 27620904 (cited by Labcorp Genetics (formerly Invitae), Labcorp); PubMed 27882533 (cited by Labcorp Genetics (formerly Invitae), Labcorp).